The following is an entry in ClinVar:

ClinVar aggregate classification (germline): Likely benign (1 of 4 stars; one submission).

Allele frequency attached by ClinVar (database versions not stated): TOPMed 0.00024; 1000 Genomes Project 30x 0.00016; gnomAD 0.00020 and 0.00023; 1000 Genomes Project 0.00020.

Submission:

GeneDx
Classification: Likely benign. Last evaluated: 2016-09-02. Review status: criteria provided, single submitter. Criteria: GeneDx Variant Classification (06012015). Collection method: clinical testing. Allele origin: germline. Affected: yes.
Comment: This variant is considered likely benign or benign based on one or more of the following criteria: it is a conservative change, it occurs at a poorly conserved position in the protein, it is predicted to be benign by multiple in silico algorithms, and/or has population frequency not consistent with disease.

NM_001386795.1(DTNA):c.-2+6G>T

Gene: DTNA (dystrobrevin alpha; plus strand). Cytogenetic location: 18q12.1.
Variant type: single nucleotide variant.
Coding change: c.-2+6G>T on transcript NM_001386795.1 (MANE Select); 6 bases into the intron after 2 bases upstream of the start codon, G replaced by T.
Molecular consequence: intron variant.
Genome position (GRCh38, 1-based): chr18:34,710,451, G>T. VCF-style: chr18-34710451-G-T. GRCh37 (hg19) VCF-style: chr18-32290415-G-T.
Other names: c.-2+30859G>T (NM_032975.4, NM_001386761.1, NM_001386762.1 and 21 more transcripts); c.-2+6G>T (NM_001386788.1, NM_001386758.1, NM_001386759.1 and 9 more transcripts).
Identifiers: ClinVar variation 389077 (VCV000389077.3), dbSNP rs560877855, ClinGen allele CA16607967.